The following is an entry in ClinVar:

ClinVar aggregate classification (germline): Uncertain significance (1 of 4 stars; one submission).

Submission:

GeneDx
Classification: Uncertain significance. Last evaluated: 2026-02-12. Review status: criteria provided, single submitter. Criteria: GeneDx Variant Classification Process June 2021. Collection method: clinical testing. Allele origin: germline.
Comment: Not observed at significant frequency in large population cohorts (gnomAD); In silico analysis suggests that this missense variant does not alter protein structure/function; Has not been previously published as pathogenic or benign to our knowledge

NM_001386135.1(AFF3):c.1736C>T (p.Ala579Val)

Gene: AFF3 (ALF transcription elongation factor 3; minus strand). Cytogenetic location: 2q11.2.
Variant type: single nucleotide variant.
Coding change: c.1736C>T on transcript NM_001386135.1 (MANE Select); coding-DNA position 1736, C replaced by T.
Protein change: p.Ala579Val; replaces alanine 579 with valine.
Molecular consequence: missense variant.
Genome position (GRCh38, 1-based): chr2:99,593,925, G>A on the plus strand (C>T on the coding strand, the complement: AFF3 is on the minus strand). VCF-style: chr2-99593925-G-A. GRCh37 (hg19) VCF-style: chr2-100210387-G-A.
Other names: c.1811C>T, p.Ala604Val (NM_001025108.2); c.1736C>T, p.Ala579Val (NM_002285.3); short protein forms A579V, A604V.
Identifiers: ClinVar variation 4975965 (VCV004975965.1).